The following is an entry in ClinVar:

ClinVar aggregate classification (germline): Conflicting classifications of pathogenicity. Review status: criteria provided, conflicting classifications (1 of 4 stars). 2 submissions from 2 submitters: Uncertain significance (1); Likely benign (1). Last evaluated 2023-08-04.

Conditions:
Hereditary cancer-predisposing syndrome. Also called: Neoplastic Syndromes, Hereditary; Tumor predisposition; Hereditary neoplastic syndrome; Hereditary Cancer Syndrome. Identifiers: Orphanet 140162, MedGen C0027672, MeSH D009386, MONDO:0015356.
Hereditary breast ovarian cancer syndrome. Also called: Hereditary breast and ovarian cancer; Hereditary breast and ovarian cancer syndrome; Hereditary breast and ovarian cancer syndrome (HBOC); Hereditary breast and/or ovarian cancer syndrome; Breast and ovarian cancer; BRCA1- and BRCA2-Associated Hereditary Breast and Ovarian Cancer. Identifiers: Orphanet 145, MedGen C0677776, MeSH D061325, MONDO:0003582. Disease mechanism: loss of function.

Submissions (2):

Labcorp Genetics (formerly Invitae), Labcorp
Classification: Uncertain significance for Hereditary breast ovarian cancer syndrome. Last evaluated: 2023-08-04. Review status: criteria provided, single submitter. Criteria: Invitae Variant Classification Sherloc (09022015). Collection method: clinical testing. Allele origin: germline.
Comment: In summary, the available evidence is currently insufficient to determine the role of this variant in disease. Therefore, it has been classified as a Variant of Uncertain Significance. Advanced modeling of protein sequence and biophysical properties (such as structural, functional, and spatial information, amino acid conservation, physicochemical variation, residue mobility, and thermodynamic stability) performed at Invitae indicates that this missense variant is not expected to disrupt BRCA1 protein function. ClinVar contains an entry for this variant (Variation ID: 641832). This variant has not been reported in the literature in individuals affected with BRCA1-related conditions. This variant is not present in population databases (gnomAD no frequency). This sequence change replaces glycine, which is neutral and non-polar, with arginine, which is basic and polar, at codon 677 of the BRCA1 protein (p.Gly677Arg).

University of Washington Department of Laboratory Medicine, University of Washington
Classification: Likely benign for Hereditary cancer-predisposing syndrome. Last evaluated: 2023-03-23. Review status: criteria provided, single submitter. Criteria: Dines et al. (Genet Med. 2020). Collection method: curation. Allele origin: germline.
Comment: Missense variant in a coldspot region where missense variants are very unlikely to be pathogenic (PMID:31911673).

BRCA1 coldspot (exon 11 using historical exon numbering). Reclassification based on statistical prior probability

NM_007294.4(BRCA1):c.2029G>A (p.Gly677Arg)

Gene: BRCA1 (BRCA1 DNA repair associated; minus strand). Cytogenetic location: 17q21.31.
Variant type: single nucleotide variant.
Coding change: c.2029G>A on transcript NM_007294.4 (MANE Select); coding-DNA position 2029, G replaced by A.
Protein change: p.Gly677Arg; replaces glycine 677 with arginine.
Molecular consequence: missense variant. On other transcripts: intron variant (137).
Genome position (GRCh38, 1-based): chr17:43,093,502, C>T on the plus strand (G>A on the coding strand, the complement: BRCA1 is on the minus strand). VCF-style: chr17-43093502-C-T. GRCh37 (hg19) VCF-style: chr17-41245519-C-T.
Other names: c.661+1242G>A (NM_001408447.1, NM_001408433.1, NM_001408450.1 and 6 more transcripts); c.784+1242G>A (NM_001408400.1, NM_001408392.1, NM_001407986.1 and 13 more transcripts); c.787+1242G>A (NM_001407979.1, NM_001407977.1, NM_001407982.1 and 19 more transcripts); c.646+1242G>A (NM_001408410.1, NM_001408456.1, NM_001408458.1 and 11 more transcripts); c.709+1242G>A (NM_001408415.1, NM_001408414.1, NM_001408411.1 and 2 more transcripts); c.577+1242G>A (NM_001408483.1, NM_001408482.1, NM_001408484.1 and 9 more transcripts); c.664+1242G>A (NM_001408442.1, NM_001408426.1, NM_001408441.1 and 12 more transcripts); c.790+1239G>A (NM_001408406.1); and 40 more; short protein forms G630R, G677R, G588R, G589R, G606R, G607R, G635R, G650R.
Identifiers: ClinVar variation 641832 (VCV000641832.12), dbSNP rs1597872603, ClinGen allele CA10597953.